The following is an entry in ClinVar:

NM_002860.4(ALDH18A1):c.731A>G (p.Lys244Arg)

Gene: ALDH18A1 (aldehyde dehydrogenase 18 family member A1; minus strand). Cytogenetic location: 10q24.1.
Variant type: single nucleotide variant.
Coding change: c.731A>G on transcript NM_002860.4 (MANE Select); coding-DNA position 731, A replaced by G.
Protein change: p.Lys244Arg; replaces lysine 244 with arginine.
Molecular consequence: missense variant.
Genome position (GRCh38, 1-based): chr10:95,633,036, T>C on the plus strand (A>G on the coding strand, the complement: ALDH18A1 is on the minus strand). VCF-style: chr10-95633036-T-C. GRCh37 (hg19) VCF-style: chr10-97392793-T-C.
Other names: c.725A>G, p.Lys242Arg (NM_001017423.2, NM_001323415.2); c.398A>G, p.Lys133Arg (NM_001323412.2, NM_001323416.2); c.731A>G, p.Lys244Arg (NM_001323413.2, NM_001323414.2); c.626A>G, p.Lys209Arg (NM_001323417.2); c.392A>G, p.Lys131Arg (NM_001323418.2); c.95A>G, p.Lys32Arg (NM_001323419.2); short protein forms K131R, K133R, K209R, K242R, K244R, K32R.
Identifiers: ClinVar variation 1344270 (VCV001344270.6), dbSNP rs2139607977, ClinGen allele CA377705092.

ClinVar aggregate classification (germline): Uncertain significance. Review status: criteria provided, multiple submitters, no conflicts (2 of 4 stars). 2 submissions from 2 submitters: Uncertain significance (2). Last evaluated 2025-05-05.

Conditions:
de Barsy syndrome. Also called: Cutis laxa-corneal clouding-oligophrenia syndrome. Identifiers: Orphanet 2962, MedGen C0268354, MONDO:0017569.
Cutis laxa, autosomal dominant 3 (ADCL3). Identifiers: Orphanet 90348, MedGen C4225268, MONDO:0014706, OMIM 616603.
Autosomal dominant spastic paraplegia type 9. Identifiers: MedGen C1832669, MONDO:0015091.
Hereditary spastic paraplegia. Also called: Familial spastic paraparesis. Identifiers: Orphanet 685, MedGen C0037773, MONDO:0019064. Disease mechanism: loss of function.

Submissions (2):

Labcorp Genetics (formerly Invitae), Labcorp
Classification: Uncertain significance for Autosomal dominant spastic paraplegia type 9; de Barsy syndrome; Cutis laxa, autosomal dominant 3. Last evaluated: 2025-05-05. Review status: criteria provided, single submitter. Criteria: Invitae Variant Classification Sherloc (09022015). Collection method: clinical testing. Allele origin: germline.
Comment: This sequence change replaces lysine, which is basic and polar, with arginine, which is basic and polar, at codon 244 of the ALDH18A1 protein (p.Lys244Arg). This variant is not present in population databases (gnomAD no frequency). This variant has not been reported in the literature in individuals affected with ALDH18A1-related conditions. ClinVar contains an entry for this variant (Variation ID: 1344270). Invitae Evidence Modeling of protein sequence and biophysical properties (such as structural, functional, and spatial information, amino acid conservation, physicochemical variation, residue mobility, and thermodynamic stability) indicates that this missense variant is not expected to disrupt ALDH18A1 protein function with a negative predictive value of 80%. Algorithms developed to predict the effect of sequence changes on RNA splicing suggest that this variant may disrupt the consensus splice site. In summary, the available evidence is currently insufficient to determine the role of this variant in disease. Therefore, it has been classified as a Variant of Uncertain Significance.

Genome Diagnostics Laboratory, The Hospital for Sick Children
Classification: Uncertain significance for Hereditary spastic paraplegia. Last evaluated: 2020-01-01. Review status: criteria provided, single submitter. Criteria: ACMG Guidelines, 2015. Collection method: clinical testing. Allele origin: germline. Affected: yes.